The following is an entry in ClinVar:

ClinVar aggregate classification (germline): Uncertain significance (1 of 4 stars; one submission).

Conditions:
Immunodeficiency 51 (IMD51). Also called: CANDIDIASIS, FAMILIAL, 5. Identifiers: Orphanet 1334, MedGen C4310803, MONDO:0013500, OMIM 613953.

Allele frequency attached by ClinVar (database versions not stated): gnomAD exomes below 0.00001; gnomAD 0.00001.
gnomAD v4.1: 1 of 1,607,320 alleles (0.000062%); highest among the groups gnomAD compares: Non-Finnish European, 0.000085%; no homozygotes.

Submission:

Labcorp Genetics (formerly Invitae), Labcorp
Classification: Uncertain significance for Immunodeficiency 51. Last evaluated: 2021-03-10. Review status: criteria provided, single submitter. Criteria: Invitae Variant Classification Sherloc (09022015). Collection method: clinical testing. Allele origin: germline.
Comment: This sequence change replaces phenylalanine with leucine at codon 479 of the IL17RA protein (p.Phe479Leu). The phenylalanine residue is highly conserved and there is a small physicochemical difference between phenylalanine and leucine. This variant is not present in population databases (ExAC no frequency). This variant has not been reported in the literature in individuals with IL17RA-related conditions. Algorithms developed to predict the effect of missense changes on protein structure and function are either unavailable or do not agree on the potential impact of this missense change (SIFT: "Tolerated"; PolyPhen-2: "Probably Damaging"; Align-GVGD: "Class C0"). In summary, the available evidence is currently insufficient to determine the role of this variant in disease. Therefore, it has been classified as a Variant of Uncertain Significance.

NM_014339.7(IL17RA):c.1437C>G (p.Phe479Leu)

Gene: IL17RA (interleukin 17 receptor A; plus strand). Cytogenetic location: 22q11.1.
Variant type: single nucleotide variant.
Coding change: c.1437C>G on transcript NM_014339.7 (MANE Select); coding-DNA position 1437, C replaced by G.
Protein change: p.Phe479Leu; replaces phenylalanine 479 with leucine.
Molecular consequence: missense variant.
Genome position (GRCh38, 1-based): chr22:17,108,656, C>G. VCF-style: chr22-17108656-C-G. GRCh37 (hg19) VCF-style: chr22-17589546-C-G.
Other names: c.1335C>G, p.Phe445Leu (NM_001289905.2); short protein forms F445L, F479L.
Identifiers: ClinVar variation 1380189 (VCV001380189.8), dbSNP rs1432571501, ClinGen allele CA410216980.